The following is an entry in ClinVar:

NM_001204.7(BMPR2):c.2455C>T (p.His819Tyr)

Gene: BMPR2 (bone morphogenetic protein receptor type 2; plus strand). Cytogenetic location: 2q33.2.
Variant type: single nucleotide variant.
Coding change: c.2455C>T on transcript NM_001204.7 (MANE Select); coding-DNA position 2455, C replaced by T.
Protein change: p.His819Tyr; replaces histidine 819 with tyrosine.
Molecular consequence: missense variant.
Genome position (GRCh38, 1-based): chr2:202,556,120, C>T. VCF-style: chr2-202556120-C-T. GRCh37 (hg19) VCF-style: chr2-203420843-C-T.
Other names: short protein forms H819Y.
Identifiers: ClinVar variation 3585302 (VCV003585302.2).

ClinVar aggregate classification (germline): Uncertain significance. Review status: criteria provided, multiple submitters, no conflicts (2 of 4 stars). 2 submissions from 2 submitters: Uncertain significance (2). Last evaluated 2025-01-05.

Conditions:
Pulmonary hypertension, primary, 1 (PPH1). Also called: Pulmonary hypertension, familial primary, 1, with or without HHT. Identifiers: Orphanet 422, MedGen C4552070, MONDO:0024533, OMIM 178600.
Pulmonary venoocclusive disease 1 (PVOD1). Also called: Pulmonary venoocclusive disease 1, autosomal dominant. Identifiers: Orphanet 31837, MedGen C3887658, MONDO:0020713, OMIM 265450.
Inborn genetic diseases. Identifiers: MedGen C0950123, MeSH D030342.

gnomAD v4.1: 4 of 1,613,966 alleles (0.00025%); highest among the groups gnomAD compares: Admixed American, 0.0033%; no homozygotes.

Submissions (2):

Ambry Genetics
Classification: Uncertain significance for Inborn genetic diseases. Last evaluated: 2025-01-05. Review status: criteria provided, single submitter. Criteria: Ambry Variant Classification Scheme 2023. Collection method: clinical testing. Allele origin: germline.
Comment: The p.H819Y variant (also known as c.2455C>T), located in coding exon 12 of the BMPR2 gene, results from a C to T substitution at nucleotide position 2455. The histidine at codon 819 is replaced by tyrosine, an amino acid with similar properties. This amino acid position is conserved. In addition, the in silico prediction for this alteration is inconclusive. Based on the available evidence, the clinical significance of this variant remains unclear.

Fulgent Genetics
Classification: Uncertain significance for Pulmonary hypertension, primary, 1; Pulmonary venoocclusive disease 1. Last evaluated: 2024-05-16. Review status: criteria provided, single submitter. Criteria: ACMG Guidelines, 2015. Collection method: clinical testing. Allele origin: germline.